The following is an entry in ClinVar:

NM_000057.4(BLM):c.3354C>A (p.Phe1118Leu)

Gene: BLM (BLM RecQ like helicase; plus strand). Cytogenetic location: 15q26.1.
Variant type: single nucleotide variant.
Coding change: c.3354C>A on transcript NM_000057.4 (MANE Select); coding-DNA position 3354, C replaced by A.
Protein change: p.Phe1118Leu; replaces phenylalanine 1118 with leucine.
Molecular consequence: missense variant.
Genome position (GRCh38, 1-based): chr15:90,798,333, C>A. VCF-style: chr15-90798333-C-A. GRCh37 (hg19) VCF-style: chr15-91341563-C-A.
Other names: c.3354C>A (NM_000057.2); c.3354C>A, p.Phe1118Leu (NM_001287246.2, NM_001287247.2); c.2229C>A, p.Phe743Leu (NM_001287248.2); short protein forms F1118L, F743L.
Identifiers: ClinVar variation 524769 (VCV000524769.17), dbSNP rs1351493073, ClinGen allele CA393847404.

ClinVar aggregate classification (germline): Uncertain significance. Review status: criteria provided, multiple submitters, no conflicts (2 of 4 stars). 4 submissions from 4 submitters: Uncertain significance (3). 1 of the submissions does not count toward it. Last evaluated 2025-10-07.

Conditions:
Hereditary cancer-predisposing syndrome. Also called: Neoplastic Syndromes, Hereditary; Hereditary neoplastic syndrome; Tumor predisposition; Hereditary Cancer Syndrome. Identifiers: Orphanet 140162, MedGen C0027672, MeSH D009386, MONDO:0015356.
Bloom syndrome (BLM). Also called: Bloom-Torre-Machacek syndrome. Identifiers: Orphanet 125, MedGen C0005859, MONDO:0008876, OMIM 210900.

Allele frequency attached by ClinVar (database versions not stated): TOPMed below 0.00001.

Submissions (4):

Labcorp Genetics (formerly Invitae), Labcorp
Classification: Uncertain significance for Bloom syndrome. Last evaluated: 2025-10-07. Review status: criteria provided, single submitter. Criteria: Invitae Variant Classification Sherloc (09022015). Collection method: clinical testing. Allele origin: germline.
Comment: This sequence change replaces phenylalanine, which is neutral and non-polar, with leucine, which is neutral and non-polar, at codon 1118 of the BLM protein (p.Phe1118Leu). This variant is not present in population databases (gnomAD no frequency). This variant has not been reported in the literature in individuals affected with BLM-related conditions. ClinVar contains an entry for this variant (Variation ID: 524769). Invitae Evidence Modeling of protein sequence and biophysical properties (such as structural, functional, and spatial information, amino acid conservation, physicochemical variation, residue mobility, and thermodynamic stability) indicates that this missense variant is not expected to disrupt BLM protein function with a negative predictive value of 80%. In summary, the available evidence is currently insufficient to determine the role of this variant in disease. Therefore, it has been classified as a Variant of Uncertain Significance.

Ambry Genetics
Classification: Uncertain significance for Hereditary cancer-predisposing syndrome. Last evaluated: 2024-10-06. Review status: criteria provided, single submitter. Criteria: Ambry Variant Classification Scheme 2023. Collection method: clinical testing. Allele origin: germline.

Quest Diagnostics Nichols Institute San Juan Capistrano
Classification: Uncertain significance. Last evaluated: 2024-01-25. Review status: criteria provided, single submitter. Criteria: Quest Diagnostics criteria. Collection method: clinical testing. Allele origin: unknown.
Comment: The BLM c.3354C>A (p.Phe1118Leu) variant has not been reported in individuals with BLM-related conditions in the published literature. It also has not been reported in large, multi-ethnic general populations (Genome Aggregation Database). Analysis of this variant using bioinformatics tools for the prediction of the effect of amino acid changes on protein structure and function yielded conflicting predictions that this variant is deleterious or benign. Based on the available information, we are unable to determine the clinical significance of this variant.

Natera, Inc.
Classification: Uncertain significance for Bloom syndrome. Last evaluated: 2019-02-04. Review status: no assertion criteria provided. Collection method: clinical testing. Allele origin: germline. Not counted in ClinVar's aggregate classification.